The following is an entry in ClinVar:

ClinVar aggregate classification (germline): Uncertain significance (1 of 4 stars; one submission).

gnomAD v4.1: 8 of 1,547,732 alleles (0.00052%); highest among the groups gnomAD compares: South Asian, 0.0024%; no homozygotes.

Submission:

GeneDx
Classification: Uncertain significance. Last evaluated: 2024-09-04. Review status: criteria provided, single submitter. Criteria: GeneDx Variant Classification Process June 2021. Collection method: clinical testing. Allele origin: germline. Affected: yes.
Comment: In silico analysis supports that this missense variant has a deleterious effect on protein structure/function; Has not been previously published as pathogenic or benign to our knowledge

NM_001292063.2(OTOG):c.7657C>T (p.Arg2553Cys)

Gene: OTOG (otogelin; plus strand). Cytogenetic location: 11p15.1.
Variant type: single nucleotide variant.
Coding change: c.7657C>T on transcript NM_001292063.2 (MANE Select); coding-DNA position 7657, C replaced by T.
Protein change: p.Arg2553Cys; replaces arginine 2553 with cysteine.
Molecular consequence: missense variant.
Genome position (GRCh38, 1-based): chr11:17,635,151, C>T. VCF-style: chr11-17635151-C-T. GRCh37 (hg19) VCF-style: chr11-17656698-C-T.
Other names: c.7693C>T, p.Arg2565Cys (NM_001277269.2); short protein forms R2553C, R2565C.
Identifiers: ClinVar variation 3767672 (VCV003767672.1).